The following is an entry in ClinVar:

ClinVar aggregate classification (germline): Uncertain significance (1 of 4 stars; one submission).

Conditions:
Meckel-Gruber syndrome. Also called: Dysencephalia splachnocystica; DYSENCEPHALIA SPLANCHNOCYSTICA; GRUBER SYNDROME. Identifiers: Orphanet 564, MedGen C0265215, MONDO:0018921.
Joubert syndrome. Also called: JOUBERT-BOLTSHAUSER SYNDROME; Familial aplasia of the vermis. Identifiers: Orphanet 475, MedGen C5979921, MONDO:0018772.

gnomAD v4.1: 5 of 1,285,444 alleles (0.00039%); highest among the groups gnomAD compares: East Asian, 0.0049%; no homozygotes.

Submission:

Labcorp Genetics (formerly Invitae), Labcorp
Classification: Uncertain significance for Joubert syndrome; Meckel-Gruber syndrome. Last evaluated: 2022-07-05. Review status: criteria provided, single submitter. Criteria: Invitae Variant Classification Sherloc (09022015). Collection method: clinical testing. Allele origin: germline.
Comment: Algorithms developed to predict the effect of missense changes on protein structure and function (SIFT, PolyPhen-2, Align-GVGD) all suggest that this variant is likely to be tolerated. In summary, the available evidence is currently insufficient to determine the role of this variant in disease. Therefore, it has been classified as a Variant of Uncertain Significance. Variants that disrupt the consensus splice site are a relatively common cause of aberrant splicing (PMID: 17576681, 9536098). Algorithms developed to predict the effect of sequence changes on RNA splicing suggest that this variant may disrupt the consensus splice site. ClinVar contains an entry for this variant (Variation ID: 839116). This missense change has been observed in individual(s) with Joubert syndrome (Invitae). This variant is not present in population databases (gnomAD no frequency). This sequence change replaces serine, which is neutral and polar, with asparagine, which is neutral and polar, at codon 1005 of the CC2D2A protein (p.Ser1005Asn). This variant also falls at the last nucleotide of exon 24, which is part of the consensus splice site for this exon.

Literature cited by the submitters: PubMed 17576681; PubMed 9536098.

NM_001378615.1(CC2D2A):c.3014G>A (p.Ser1005Asn)

Genes: CC2D2A (coiled-coil and C2 domain containing 2A; plus strand), FBXL5 (F-box and leucine rich repeat protein 5; minus strand). Cytogenetic location: 4p15.32.
Variant type: single nucleotide variant.
Coding change: c.3014G>A on transcript NM_001378615.1 (MANE Select); coding-DNA position 3014, G replaced by A.
Protein change: p.Ser1005Asn; replaces serine 1005 with asparagine.
Molecular consequence: missense variant.
Genome position (GRCh38, 1-based): chr4:15,560,622, G>A. VCF-style: chr4-15560622-G-A. GRCh37 (hg19) VCF-style: chr4-15562245-G-A.
Other names: c.3014G>A, p.Ser1005Asn (NM_001080522.2); c.2867G>A, p.Ser956Asn (NM_001378617.1); short protein forms S1005N, S956N.
Identifiers: ClinVar variation 839116 (VCV000839116.11), dbSNP rs1719535877, ClinGen allele CA356414273.